The following is an entry in ClinVar:

ClinVar aggregate classification (germline): Uncertain significance (1 of 4 stars; one submission).

Conditions:
Fanconi anemia (FA). Also called: Fanconi's anemia. Identifiers: Orphanet 84, MedGen C0015625, MeSH D005199, MONDO:0019391.

gnomAD v4.1: 1 of 1,614,104 alleles (0.000062%); highest among the groups gnomAD compares: Non-Finnish European, 0.000085%; no homozygotes.

Submission:

Labcorp Genetics (formerly Invitae), Labcorp
Classification: Uncertain significance for Fanconi anemia. Last evaluated: 2025-03-26. Review status: criteria provided, single submitter. Criteria: Invitae Variant Classification Sherloc (09022015). Collection method: clinical testing. Allele origin: germline.
Comment: This sequence change replaces serine, which is neutral and polar, with asparagine, which is neutral and polar, at codon 372 of the FANCF protein (p.Ser372Asn). This variant is not present in population databases (gnomAD no frequency). This variant has not been reported in the literature in individuals affected with FANCF-related conditions. An algorithm developed to predict the effect of missense changes on protein structure and function outputs the following: PolyPhen-2: "Possibly Damaging". The asparagine amino acid residue is found in multiple mammalian species, which suggests that this missense change does not adversely affect protein function. In summary, the available evidence is currently insufficient to determine the role of this variant in disease. Therefore, it has been classified as a Variant of Uncertain Significance.

NM_022725.4(FANCF):c.1115G>A (p.Ser372Asn)

Gene: FANCF (FA complementation group F; minus strand). Cytogenetic location: 11p14.3.
Variant type: single nucleotide variant.
Coding change: c.1115G>A on transcript NM_022725.4 (MANE Select); coding-DNA position 1115, G replaced by A.
Protein change: p.Ser372Asn; replaces serine 372 with asparagine.
Molecular consequence: missense variant.
Genome position (GRCh38, 1-based): chr11:22,624,696, C>T on the plus strand (G>A on the coding strand, the complement: FANCF is on the minus strand). VCF-style: chr11-22624696-C-T. GRCh37 (hg19) VCF-style: chr11-22646242-C-T.
Other names: short protein forms S372N.
Identifiers: ClinVar variation 4694537 (VCV004694537.1).